The following is an entry in ClinVar:

NM_001195553.2(DCX):c.64C>T (p.Arg22Trp)

Gene: DCX (doublecortin; minus strand). Cytogenetic location: Xq23.
Variant type: single nucleotide variant.
Coding change: c.64C>T on transcript NM_001195553.2 (MANE Select); coding-DNA position 64, C replaced by T.
Protein change: p.Arg22Trp; replaces arginine 22 with tryptophan.
Molecular consequence: missense variant.
Genome position (GRCh38, 1-based): chrX:111,410,335, G>A on the plus strand (C>T on the coding strand, the complement: DCX is on the minus strand). VCF-style: chrX-111410335-G-A. GRCh37 (hg19) VCF-style: chrX-110653563-G-A.
Other names: c.307C>T, p.Arg103Trp (NM_000555.3); c.64C>T, p.Arg22Trp (NM_001369370.1, NM_001369371.1, NM_001369372.1 and 6 more transcripts); short protein forms R103W, R22W.
Identifiers: ClinVar variation 2579409 (VCV002579409.1), dbSNP rs1928603116, ClinGen allele CA414247197.

ClinVar aggregate classification (germline): Uncertain significance (1 of 4 stars; one submission).

Submission:

GeneDx
Classification: Uncertain significance. Last evaluated: 2023-02-22. Review status: criteria provided, single submitter. Criteria: GeneDx Variant Classification Process June 2021. Collection method: clinical testing. Allele origin: germline. Affected: yes.
Comment: Not observed at significant frequency in large population cohorts (gnomAD); In silico analysis supports that this missense variant has a deleterious effect on protein structure/function; Has not been previously published as pathogenic or benign to our knowledge